The following is an entry in ClinVar:

NM_183357.3(ADCY5):c.1116C>A (p.Asp372Glu)

Gene: ADCY5 (adenylate cyclase 5; minus strand). Cytogenetic location: 3q21.1.
Variant type: single nucleotide variant.
Coding change: c.1116C>A on transcript NM_183357.3 (MANE Select); coding-DNA position 1116, C replaced by A.
Protein change: p.Asp372Glu; replaces aspartic acid 372 with glutamic acid.
Molecular consequence: missense variant.
Genome position (GRCh38, 1-based): chr3:123,447,430, G>T on the plus strand (C>A on the coding strand, the complement: ADCY5 is on the minus strand). VCF-style: chr3-123447430-G-T. GRCh37 (hg19) VCF-style: chr3-123166277-G-T.
Other names: c.1116C>A, p.Asp372Glu (NM_001378259.1); short protein forms D372E.
Identifiers: ClinVar variation 2827332 (VCV002827332.3), dbSNP rs1456826311, ClinGen allele CA354355926.

ClinVar aggregate classification (germline): Uncertain significance (1 of 4 stars; one submission).

Allele frequency attached by ClinVar (database versions not stated): gnomAD exomes below 0.00001.

Submission:

Labcorp Genetics (formerly Invitae), Labcorp
Classification: Uncertain significance. Last evaluated: 2024-11-11. Review status: criteria provided, single submitter. Criteria: Invitae Variant Classification Sherloc (09022015). Collection method: clinical testing. Allele origin: germline.
Comment: This sequence change replaces aspartic acid, which is acidic and polar, with glutamic acid, which is acidic and polar, at codon 372 of the ADCY5 protein (p.Asp372Glu). The frequency data for this variant in the population databases is considered unreliable, as metrics indicate poor data quality at this position in the gnomAD database. This variant has not been reported in the literature in individuals affected with ADCY5-related conditions. ClinVar contains an entry for this variant (Variation ID: 2827332). Invitae Evidence Modeling of protein sequence and biophysical properties (such as structural, functional, and spatial information, amino acid conservation, physicochemical variation, residue mobility, and thermodynamic stability) indicates that this missense variant is not expected to disrupt ADCY5 protein function with a negative predictive value of 95%. In summary, the available evidence is currently insufficient to determine the role of this variant in disease. Therefore, it has been classified as a Variant of Uncertain Significance.